The following is an entry in ClinVar:

ClinVar aggregate classification (germline): Uncertain significance (1 of 4 stars; one submission).

gnomAD v4.1: 5 of 1,612,812 alleles (0.00031%); highest among the groups gnomAD compares: Non-Finnish European, 0.00042%; no homozygotes.

Submission:

Labcorp Genetics (formerly Invitae), Labcorp
Classification: Uncertain significance. Last evaluated: 2024-06-11. Review status: criteria provided, single submitter. Criteria: Invitae Variant Classification Sherloc (09022015). Collection method: clinical testing. Allele origin: germline.
Comment: This sequence change replaces glycine, which is neutral and non-polar, with serine, which is neutral and polar, at codon 683 of the DLL1 protein (p.Gly683Ser). This variant is present in population databases (no rsID available, gnomAD 0.0009%). This variant has not been reported in the literature in individuals affected with DLL1-related conditions. Algorithms developed to predict the effect of missense changes on protein structure and function output the following: SIFT: "Not Available"; PolyPhen-2: "Benign"; Align-GVGD: "Not Available". The serine amino acid residue is found in multiple mammalian species, which suggests that this missense change does not adversely affect protein function. In summary, the available evidence is currently insufficient to determine the role of this variant in disease. Therefore, it has been classified as a Variant of Uncertain Significance.

NM_005618.4(DLL1):c.2047G>A (p.Gly683Ser)

Genes: DLL1 (delta like canonical Notch ligand 1; minus strand), LOC126859913 (P300/CBP strongly-dependent group 1 enhancer GRCh37_chr6:170591232-170592431; plus strand). Cytogenetic location: 6q27.
Variant type: single nucleotide variant.
Coding change: c.2047G>A on transcript NM_005618.4 (MANE Select); coding-DNA position 2047, G replaced by A.
Protein change: p.Gly683Ser; replaces glycine 683 with serine.
Molecular consequence: missense variant.
Genome position (GRCh38, 1-based): chr6:170,283,232, C>T on the plus strand (G>A on the coding strand, the complement: DLL1 is on the minus strand). VCF-style: chr6-170283232-C-T. GRCh37 (hg19) VCF-style: chr6-170592320-C-T.
Other names: short protein forms G683S.
Identifiers: ClinVar variation 3699759 (VCV003699759.2).